The following is an entry in ClinVar:

NM_130837.3(OPA1):c.1811C>T (p.Ser604Leu)

Genes: OPA1 (OPA1 mitochondrial dynamin like GTPase; plus strand), LOC126806913 (BRD4-independent group 4 enhancer GRCh37_chr3:193364377-193365576; plus strand). Cytogenetic location: 3q29.
Variant type: single nucleotide variant.
Coding change: c.1811C>T on transcript NM_130837.3 (MANE Select); coding-DNA position 1811, C replaced by T.
Protein change: p.Ser604Leu; replaces serine 604 with leucine.
Molecular consequence: missense variant.
Genome position (GRCh38, 1-based): chr3:193,647,121, C>T. VCF-style: chr3-193647121-C-T. GRCh37 (hg19) VCF-style: chr3-193364910-C-T.
Other names: c.1277C>T, p.Ser426Leu (NM_001354663.2); c.1274C>T, p.Ser425Leu (NM_001354664.2); c.1646C>T, p.Ser549Leu (NM_015560.3); c.1538C>T, p.Ser513Leu (NM_130831.3); c.1592C>T, p.Ser531Leu (NM_130832.3); c.1649C>T, p.Ser550Leu (NM_130833.3); c.1700C>T, p.Ser567Leu (NM_130834.3); c.1703C>T, p.Ser568Leu (NM_130835.3); and 1 more; short protein forms S549L, S567L, S513L, S531L, S550L, S568L, S586L, S425L.
Identifiers: ClinVar variation 930631 (VCV000930631.5), dbSNP rs1734780550, ClinGen allele CA355790466.

ClinVar aggregate classification (germline): Uncertain significance. Review status: criteria provided, multiple submitters, no conflicts (2 of 4 stars). 2 submissions from 2 submitters: Uncertain significance (2). Last evaluated 2024-11-11.

Conditions:
Abortive cerebellar ataxia (BEHRS). Also called: Behr syndrome; OPTIC ATROPHY, INFANTILE HEREDITARY, WITH NEUROLOGIC ABNORMALITIES. Identifiers: Orphanet 1239, MedGen C0221061, MONDO:0008858, OMIM 210000.

Submissions (2):

Labcorp Genetics (formerly Invitae), Labcorp
Classification: Uncertain significance. Last evaluated: 2024-11-11. Review status: criteria provided, single submitter. Criteria: Invitae Variant Classification Sherloc (09022015). Collection method: clinical testing. Allele origin: germline.
Comment: This sequence change replaces serine, which is neutral and polar, with leucine, which is neutral and non-polar, at codon 549 of the OPA1 protein (p.Ser549Leu). This variant is not present in population databases (gnomAD no frequency). This variant has not been reported in the literature in individuals affected with OPA1-related conditions. ClinVar contains an entry for this variant (Variation ID: 930631). Invitae Evidence Modeling of protein sequence and biophysical properties (such as structural, functional, and spatial information, amino acid conservation, physicochemical variation, residue mobility, and thermodynamic stability) indicates that this missense variant is expected to disrupt OPA1 protein function with a positive predictive value of 80%. In summary, the available evidence is currently insufficient to determine the role of this variant in disease. Therefore, it has been classified as a Variant of Uncertain Significance.

Centre for Mendelian Genomics, University Medical Centre Ljubljana
Classification: Uncertain significance for Abortive cerebellar ataxia. Last evaluated: 2018-10-10. Review status: criteria provided, single submitter. Criteria: ACMG Guidelines, 2015. Collection method: clinical testing. Allele origin: unknown. Affected: yes.
Comment: This variant was classified as: Uncertain significance. The available evidence on this variant's pathogenicity is insufficient or conflicting. The following ACMG criteria were applied in classifying this variant: PM2,PP3.